The following is an entry in ClinVar:

NM_015072.5(TTLL5):c.3329del (p.Ser1110fs)

Gene: TTLL5 (tubulin tyrosine ligase like 5; plus strand). Cytogenetic location: 14q24.3.
Variant type: Deletion.
Coding change: c.3329del on transcript NM_015072.5 (MANE Select); coding-DNA position 3329, one base deleted (G; older notation c.3329delG).
Protein change: p.Ser1110fs; shifts the reading frame from serine 1110.
Molecular consequence: frameshift variant.
Genome position (GRCh38, 1-based): chr14:75,863,669, G deleted. VCF-style (leftmost placement, unchanged base first): chr14-75863668-AG-A. GRCh37 (hg19) VCF-style: chr14-76330011-AG-A.
Other names: short protein forms S1110fs.
Identifiers: ClinVar variation 2786826 (VCV002786826.3), dbSNP rs759929075, ClinGen allele CA7279990.
Genomic context (GRCh38, chr14:75,863,668, plus strand): 5'-TCCTCTAGATTGTTCATACAGCCACTCACTCTAAGAAACCTGCTTGCTTTTCTCTTCAGG[AG>A]CCTGCAGACAGGGGGATTTGCCTGGGAAGGAGAAGTAGAAAACAACGTGTACAGCCAGGC-3'

ClinVar aggregate classification (germline): Pathogenic (1 of 4 stars; one submission).

Allele frequency attached by ClinVar (database versions not stated): gnomAD exomes below 0.00001 and 0.00001; ExAC 0.00001; ESP Exome Variant Server 0.00008.

Submission:

Labcorp Genetics (formerly Invitae), Labcorp
Classification: Pathogenic. Last evaluated: 2024-07-19. Review status: criteria provided, single submitter. Criteria: Invitae Variant Classification Sherloc (09022015). Collection method: clinical testing. Allele origin: germline.
Comment: This sequence change creates a premature translational stop signal (p.Ser1110Thrfs*13) in the TTLL5 gene. It is expected to result in an absent or disrupted protein product. Loss-of-function variants in TTLL5 are known to be pathogenic (PMID: 24791901, 27162334). This variant is present in population databases (rs759929075, gnomAD 0.0009%). This variant has not been reported in the literature in individuals affected with TTLL5-related conditions. For these reasons, this variant has been classified as Pathogenic.

Literature cited by the submitters: PubMed 24791901; PubMed 27162334.